The following is an entry in ClinVar:

NM_015346.4(ZFYVE26):c.3072A>G (p.Pro1024=)

Gene: ZFYVE26 (zinc finger FYVE-type containing 26; minus strand). Cytogenetic location: 14q24.1.
Variant type: single nucleotide variant.
Coding change: c.3072A>G on transcript NM_015346.4 (MANE Select); coding-DNA position 3072, A replaced by G.
Protein change: p.Pro1024=; no amino-acid change (proline 1024 retained).
Molecular consequence: synonymous variant.
Genome position (GRCh38, 1-based): chr14:67,786,181, T>C on the plus strand (A>G on the coding strand, the complement: ZFYVE26 is on the minus strand). VCF-style: chr14-67786181-T-C. GRCh37 (hg19) VCF-style: chr14-68252898-T-C.
Other names: p.Pro1024=.
Identifiers: ClinVar variation 1586883 (VCV001586883.9), dbSNP rs1208106488, ClinGen allele CA486970638.

ClinVar aggregate classification (germline): Likely benign. Review status: criteria provided, multiple submitters, no conflicts (2 of 4 stars). 2 submissions from 2 submitters: Likely benign (2). Last evaluated 2025-05-21.

Conditions:
Spastic paraplegia. Identifiers: MedGen C0037772, HP:0001258.

Allele frequency attached by ClinVar (database versions not stated): gnomAD exomes below 0.00001 and 0.00002; TOPMed below 0.00001; gnomAD 0.00001.
gnomAD v4.1: 11 of 1,609,398 alleles (0.00068%); highest among the groups gnomAD compares: Non-Finnish European, 0.00093%; no homozygotes.

Submissions (2):

Mayo Clinic Laboratories, Mayo Clinic
Classification: Likely benign. Last evaluated: 2025-05-21. Review status: criteria provided, single submitter. Criteria: ACMG Guidelines, 2015. Collection method: clinical testing. Allele origin: germline. Observed: 1 variant allele.
Comment: BP4, BP7

Labcorp Genetics (formerly Invitae), Labcorp
Classification: Likely benign for Spastic paraplegia. Last evaluated: 2023-11-10. Review status: criteria provided, single submitter. Criteria: Invitae Variant Classification Sherloc (09022015). Collection method: clinical testing. Allele origin: germline.